The following is an entry in ClinVar:

NM_000455.5(STK11):c.695C>T (p.Ser232Phe)

Gene: STK11 (serine/threonine kinase 11; plus strand). Cytogenetic location: 19p13.3.
Variant type: single nucleotide variant.
Coding change: c.695C>T on transcript NM_000455.5 (MANE Select); coding-DNA position 695, C replaced by T.
Protein change: p.Ser232Phe; replaces serine 232 with phenylalanine.
Molecular consequence: missense variant. On other transcripts: non-coding transcript variant (1).
Genome position (GRCh38, 1-based): chr19:1,220,678, C>T. VCF-style: chr19-1220678-C-T. GRCh37 (hg19) VCF-style: chr19-1220677-C-T.
Other names: c.695C>T, p.Ser232Phe (NM_001407255.1); short protein forms S232F.
Identifiers: ClinVar variation 2710917 (VCV002710917.3), dbSNP rs2145425407, ClinGen allele CA402949839.

ClinVar aggregate classification (germline): Uncertain significance (1 of 4 stars; one submission).

Conditions:
Peutz-Jeghers syndrome (PJS). Also called: POLYPOSIS, HAMARTOMATOUS INTESTINAL; POLYPS-AND-SPOTS SYNDROME; Peutz-Jeghers polyposis; Periorificial lentiginosis syndrome. Identifiers: Orphanet 2869, MedGen C0031269, MeSH D010580, MONDO:0008280, OMIM 175200.

Submission:

Labcorp Genetics (formerly Invitae), Labcorp
Classification: Uncertain significance for Peutz-Jeghers syndrome. Last evaluated: 2024-11-21. Review status: criteria provided, single submitter. Criteria: Invitae Variant Classification Sherloc (09022015). Collection method: clinical testing. Allele origin: germline.
Comment: This sequence change replaces serine, which is neutral and polar, with phenylalanine, which is neutral and non-polar, at codon 232 of the STK11 protein (p.Ser232Phe). This variant is not present in population databases (gnomAD no frequency). This variant has not been reported in the literature in individuals affected with STK11-related conditions. ClinVar contains an entry for this variant (Variation ID: 2710917). Invitae Evidence Modeling of protein sequence and biophysical properties (such as structural, functional, and spatial information, amino acid conservation, physicochemical variation, residue mobility, and thermodynamic stability) has been performed for this missense variant. However, the output from this modeling did not meet the statistical confidence thresholds required to predict the impact of this variant on STK11 protein function. In summary, the available evidence is currently insufficient to determine the role of this variant in disease. Therefore, it has been classified as a Variant of Uncertain Significance.